The following is an entry in ClinVar:

NM_017763.6(RNF43):c.894T>C (p.Cys298=)

Gene: RNF43 (ring finger protein 43; minus strand). Cytogenetic location: 17q22.
Variant type: single nucleotide variant.
Coding change: c.894T>C on transcript NM_017763.6 (MANE Select); coding-DNA position 894, T replaced by C.
Protein change: p.Cys298=; no amino-acid change (cysteine 298 retained).
Molecular consequence: synonymous variant.
Genome position (GRCh38, 1-based): chr17:58,360,207, A>G on the plus strand (T>C on the coding strand, the complement: RNF43 is on the minus strand). VCF-style: chr17-58360207-A-G. GRCh37 (hg19) VCF-style: chr17-56437568-A-G.
Other names: c.894T>C, p.Cys298= (NM_001305544.3, NM_001438820.1, NM_001438821.1 and 1 more transcripts); c.513T>C, p.Cys171= (NM_001305545.2, NM_001437987.1).
Identifiers: ClinVar variation 5042354 (VCV005042354.1).

ClinVar aggregate classification (germline): Benign (1 of 4 stars; one submission).

Conditions:
Sessile serrated polyposis cancer syndrome (SSPCS). Identifiers: Orphanet 157798, MedGen C4310714, MONDO:0014919, OMIM 617108.

gnomAD v4.1: 4 of 1,614,034 alleles (0.00025%); highest among the groups gnomAD compares: Non-Finnish European, 0.00025%; no homozygotes.

Submission:

Myriad Genetics, Inc.
Classification: Benign for Sessile serrated polyposis cancer syndrome. Last evaluated: 2026-07-01. Review status: criteria provided, single submitter. Criteria: Myriad Autosomal Dominant, Autosomal Recessive and X-Linked Classification Criteria (2023). Collection method: clinical testing. Allele origin: unknown.
Comment: This variant is considered benign. This variant is a silent/synonymous amino acid change and it is not expected to impact splicing.